The following is an entry in ClinVar:

NM_198525.3(KIF7):c.3122C>T (p.Thr1041Met)

Gene: KIF7 (kinesin family member 7; minus strand). Cytogenetic location: 15q26.1.
Variant type: single nucleotide variant.
Coding change: c.3122C>T on transcript NM_198525.3 (MANE Select); coding-DNA position 3122, C replaced by T.
Protein change: p.Thr1041Met; replaces threonine 1041 with methionine.
Molecular consequence: missense variant.
Genome position (GRCh38, 1-based): chr15:89,630,483, G>A on the plus strand (C>T on the coding strand, the complement: KIF7 is on the minus strand). VCF-style: chr15-89630483-G-A. GRCh37 (hg19) VCF-style: chr15-90173714-G-A.
Other names: short protein forms T1041M.
Identifiers: ClinVar variation 1406152 (VCV001406152.5), dbSNP rs779273024, ClinGen allele CA7727811.

ClinVar aggregate classification (germline): Uncertain significance (1 of 4 stars; one submission).

Conditions:
Acrocallosal syndrome (ACLS). Also called: Schinzel syndrome 1; Absence of corpus callosum with unusual facial appearance, mental deficiency, duplication of the halluces and polydactyly; HALLUX DUPLICATION, POSTAXIAL POLYDACTYLY, AND ABSENCE OF CORPUS CALLOSUM. Identifiers: Orphanet 36, MedGen C0796147, MONDO:0008708, OMIM 200990.

Allele frequency attached by ClinVar (database versions not stated): gnomAD 0.00001; gnomAD exomes 0.00001; TOPMed 0.00002; ExAC 0.00004.
gnomAD v4.1: 19 of 1,539,314 alleles (0.0012%); highest among the groups gnomAD compares: Admixed American, 0.006%; no homozygotes.

Submission:

Labcorp Genetics (formerly Invitae), Labcorp
Classification: Uncertain significance for Acrocallosal syndrome. Last evaluated: 2021-09-01. Review status: criteria provided, single submitter. Criteria: Invitae Variant Classification Sherloc (09022015). Collection method: clinical testing. Allele origin: germline.
Comment: This sequence change replaces threonine with methionine at codon 1041 of the KIF7 protein (p.Thr1041Met). The threonine residue is highly conserved and there is a moderate physicochemical difference between threonine and methionine. This variant is present in population databases (rs779273024, ExAC 0.01%). This variant has not been reported in the literature in individuals affected with KIF7-related conditions. Algorithms developed to predict the effect of missense changes on protein structure and function are either unavailable or do not agree on the potential impact of this missense change (SIFT: "Tolerated"; PolyPhen-2: "Possibly Damaging"; Align-GVGD: "Class C0"). In summary, the available evidence is currently insufficient to determine the role of this variant in disease. Therefore, it has been classified as a Variant of Uncertain Significance.